The following is an entry in ClinVar:

ClinVar aggregate classification (germline): Uncertain significance (1 of 4 stars; one submission).

Conditions:
Leukocyte adhesion deficiency 1 (LAD1). Also called: LAD 1; Lymphocyte function-associated antigen 1 immunodeficiency; LFA 1 immunodeficiency; LEUKOCYTE ADHESION DEFICIENCY, TYPE I. Identifiers: Orphanet 2968, Orphanet 99842, MedGen C0398738, MONDO:0007293, OMIM 116920.

Allele frequency attached by ClinVar (database versions not stated): TOPMed below 0.00001.
gnomAD v4.1: 1 of 1,614,116 alleles (0.000062%); highest among the groups gnomAD compares: Non-Finnish European, 0.000085%; no homozygotes.

Submission:

Labcorp Genetics (formerly Invitae), Labcorp
Classification: Uncertain significance for Leukocyte adhesion deficiency 1. Last evaluated: 2021-09-01. Review status: criteria provided, single submitter. Criteria: Invitae Variant Classification Sherloc (09022015). Collection method: clinical testing. Allele origin: germline.
Comment: This sequence change replaces valine with leucine at codon 380 of the ITGB2 protein (p.Val380Leu). The valine residue is highly conserved and there is a small physicochemical difference between valine and leucine. This variant is not present in population databases (ExAC no frequency). This variant has not been reported in the literature in individuals affected with ITGB2-related conditions. Algorithms developed to predict the effect of missense changes on protein structure and function (SIFT, PolyPhen-2, Align-GVGD) all suggest that this variant is likely to be disruptive. In summary, the available evidence is currently insufficient to determine the role of this variant in disease. Therefore, it has been classified as a Variant of Uncertain Significance.

NM_000211.5(ITGB2):c.1138G>C (p.Val380Leu)

Gene: ITGB2 (integrin subunit beta 2; minus strand). Cytogenetic location: 21q22.3.
Variant type: single nucleotide variant.
Coding change: c.1138G>C on transcript NM_000211.5 (MANE Select); coding-DNA position 1138, G replaced by C.
Protein change: p.Val380Leu; replaces valine 380 with leucine.
Molecular consequence: missense variant.
Genome position (GRCh38, 1-based): chr21:44,893,490, C>G on the plus strand (G>C on the coding strand, the complement: ITGB2 is on the minus strand). VCF-style: chr21-44893490-C-G. GRCh37 (hg19) VCF-style: chr21-46313405-C-G.
Other names: c.1138G>C, p.Val380Leu (NM_001127491.3); c.931G>C, p.Val311Leu (NM_001303238.2); short protein forms V380L, V311L.
Identifiers: ClinVar variation 852723 (VCV000852723.7), dbSNP rs1273615785, ClinGen allele CA410485928.